The following is an entry in ClinVar:

NM_000044.6(AR):c.1076A>T (p.Tyr359Phe)

Gene: AR (androgen receptor; plus strand). Cytogenetic location: Xq12.
Variant type: single nucleotide variant.
Coding change: c.1076A>T on transcript NM_000044.6 (MANE Select); coding-DNA position 1076, A replaced by T.
Protein change: p.Tyr359Phe; replaces tyrosine 359 with phenylalanine.
Molecular consequence: missense variant. On other transcripts: 5 prime UTR variant (1).
Genome position (GRCh38, 1-based): chrX:67,546,222, A>T. VCF-style: chrX-67546222-A-T. GRCh37 (hg19) VCF-style: chrX-66766064-A-T.
Other names: c.-708A>T (NM_001011645.3); c.1076A>T, p.Tyr359Phe (NM_001348061.1, NM_001348063.1, NM_001348064.1); short protein forms Y359F.
Identifiers: ClinVar variation 3756028 (VCV003756028.2).
Genomic context (GRCh38, chrX:67,546,222, plus strand): 5'-TTGAACTGCCGTCTACCCTGTCTCTCTACAAGTCCGGAGCACTGGACGAGGCAGCTGCGT[A>T]CCAGAGTCGCGACTACTACAACTTTCCACTGGCTCTGGCCGGACCGCCGCCCCCTCCGCC-3'
Protein context (NP_000035.2, residues 349-369): KSGALDEAAA[Tyr359Phe]QSRDYYNFPL

ClinVar aggregate classification (germline): Uncertain significance (1 of 4 stars; one submission).

Conditions:
Kennedy disease (SMAX1). Also called: SPINAL AND BULBAR MUSCULAR ATROPHY, X-LINKED 1; KENNEDY SPINAL AND BULBAR MUSCULAR ATROPHY; Spinal and Bulbar Muscular Atrophy. Identifiers: Orphanet 481, MedGen C1839259, MONDO:0010735, OMIM 313200.
Androgen resistance syndrome (AIS). Also called: ANDROGEN RECEPTOR DEFICIENCY; DIHYDROTESTOSTERONE RECEPTOR DEFICIENCY; TESTICULAR FEMINIZATION SYNDROME; Androgen insensitivity syndrome; Androgen insensitivity; DHTR DEFICIENCY. Identifiers: Orphanet 754, Orphanet 99429, MedGen C0039585, MONDO:0019154, OMIM 300068. Disease mechanism: loss of function.

gnomAD v4.1: 41 of 1,210,138 alleles (0.0034%); highest among the groups gnomAD compares: Admixed American, 0.0044%; no homozygotes.

Submission:

Labcorp Genetics (formerly Invitae), Labcorp
Classification: Uncertain significance for Kennedy disease; Androgen resistance syndrome. Last evaluated: 2024-06-03. Review status: criteria provided, single submitter. Criteria: Invitae Variant Classification Sherloc (09022015). Collection method: clinical testing. Allele origin: germline.
Comment: This sequence change replaces tyrosine, which is neutral and polar, with phenylalanine, which is neutral and non-polar, at codon 359 of the AR protein (p.Tyr359Phe). This variant is present in population databases (rs753297907, gnomAD 0.008%), including at least one homozygous and/or hemizygous individual. This variant has not been reported in the literature in individuals affected with AR-related conditions. Advanced modeling of protein sequence and biophysical properties (such as structural, functional, and spatial information, amino acid conservation, physicochemical variation, residue mobility, and thermodynamic stability) has been performed at Invitae for this missense variant, however the output from this modeling did not meet the statistical confidence thresholds required to predict the impact of this variant on AR protein function. In summary, the available evidence is currently insufficient to determine the role of this variant in disease. Therefore, it has been classified as a Variant of Uncertain Significance.